The following is an entry in ClinVar:

NM_000256.3(MYBPC3):c.3124A>G (p.Thr1042Ala)

Gene: MYBPC3 (myosin binding protein C3; minus strand). Cytogenetic location: 11p11.2.
Variant type: single nucleotide variant.
Coding change: c.3124A>G on transcript NM_000256.3 (MANE Select); coding-DNA position 3124, A replaced by G.
Protein change: p.Thr1042Ala; replaces threonine 1042 with alanine.
Molecular consequence: missense variant.
Genome position (GRCh38, 1-based): chr11:47,333,623, T>C on the plus strand (A>G on the coding strand, the complement: MYBPC3 is on the minus strand). VCF-style: chr11-47333623-T-C. GRCh37 (hg19) VCF-style: chr11-47355174-T-C.
Other names: short protein forms T1042A.
Identifiers: ClinVar variation 971351 (VCV000971351.9), dbSNP rs2095879490, ClinGen allele CA380315016.

ClinVar aggregate classification (germline): Uncertain significance (1 of 4 stars; one submission).

Conditions:
Hypertrophic cardiomyopathy. Also called: HYPERTROPHIC MYOCARDIOPATHY. Identifiers: Orphanet 217569, MedGen C0007194, MeSH D002312, MONDO:0005045, HP:0001639.

Submission:

Labcorp Genetics (formerly Invitae), Labcorp
Classification: Uncertain significance for Hypertrophic cardiomyopathy. Last evaluated: 2022-11-22. Review status: criteria provided, single submitter. Criteria: Invitae Variant Classification Sherloc (09022015). Collection method: clinical testing. Allele origin: germline.
Comment: This sequence change replaces threonine, which is neutral and polar, with alanine, which is neutral and non-polar, at codon 1042 of the MYBPC3 protein (p.Thr1042Ala). In summary, the available evidence is currently insufficient to determine the role of this variant in disease. Therefore, it has been classified as a Variant of Uncertain Significance. Algorithms developed to predict the effect of missense changes on protein structure and function output the following: SIFT: "Tolerated"; PolyPhen-2: "Benign"; Align-GVGD: "Class C0". The alanine amino acid residue is found in multiple mammalian species, which suggests that this missense change does not adversely affect protein function. ClinVar contains an entry for this variant (Variation ID: 971351). This variant has not been reported in the literature in individuals affected with MYBPC3-related conditions. This variant is not present in population databases (gnomAD no frequency).